The following is an entry in ClinVar:

NM_002691.4(POLD1):c.1925C>G (p.Thr642Ser)

Gene: POLD1 (DNA polymerase delta 1, catalytic subunit; plus strand). Cytogenetic location: 19q13.33.
Variant type: single nucleotide variant.
Coding change: c.1925C>G on transcript NM_002691.4 (MANE Select); coding-DNA position 1925, C replaced by G.
Protein change: p.Thr642Ser; replaces threonine 642 with serine.
Molecular consequence: missense variant. On other transcripts: non-coding transcript variant (1).
Genome position (GRCh38, 1-based): chr19:50,409,154, C>G. VCF-style: chr19-50409154-C-G. GRCh37 (hg19) VCF-style: chr19-50912411-C-G.
Other names: c.1925C>G, p.Thr642Ser (NM_001256849.1); c.2003C>G, p.Thr668Ser (NM_001308632.1); short protein forms T642S, T668S.
Identifiers: ClinVar variation 239259 (VCV000239259.13), dbSNP rs878854529, ClinGen allele CA10583835.

ClinVar aggregate classification (germline): Conflicting classifications of pathogenicity. Review status: criteria provided, conflicting classifications (1 of 4 stars). 2 submissions from 2 submitters: Uncertain significance (1); Likely benign (1). Last evaluated 2025-11-04.

Conditions:
Hereditary cancer-predisposing syndrome. Also called: Hereditary Cancer Syndrome; Neoplastic Syndromes, Hereditary; Hereditary neoplastic syndrome; Tumor predisposition. Identifiers: Orphanet 140162, MedGen C0027672, MeSH D009386, MONDO:0015356.
POLD1-related polyposis and colorectal cancer syndrome (CRCS10). Also called: COLORECTAL CANCER, SUSCEPTIBILITY TO, ON CHROMOSOME 19q; Colorectal cancer 10; Colorectal cancer, susceptibility to, 10. Identifiers: Orphanet 220460, MedGen C2675481, MONDO:0012953, OMIM 612591.

Allele frequency attached by ClinVar (database versions not stated): gnomAD exomes below 0.00001.
gnomAD v4.1: 4 of 1,613,510 alleles (0.00025%); highest among the groups gnomAD compares: Non-Finnish European, 0.00034%; no homozygotes.

Submissions (2):

Ambry Genetics
Classification: Likely benign for Hereditary cancer-predisposing syndrome. Last evaluated: 2025-11-04. Review status: criteria provided, single submitter. Criteria: Ambry Variant Classification Scheme 2023. Collection method: clinical testing. Allele origin: germline.

Labcorp Genetics (formerly Invitae), Labcorp
Classification: Uncertain significance for POLD1-related polyposis and colorectal cancer syndrome. Last evaluated: 2025-06-18. Review status: criteria provided, single submitter. Criteria: Invitae Variant Classification Sherloc (09022015). Collection method: clinical testing. Allele origin: germline.
Comment: This sequence change replaces threonine, which is neutral and polar, with serine, which is neutral and polar, at codon 642 of the POLD1 protein (p.Thr642Ser). This variant is present in population databases (no rsID available, gnomAD 0.0009%). This variant has not been reported in the literature in individuals affected with POLD1-related conditions. ClinVar contains an entry for this variant (Variation ID: 239259). Invitae Evidence Modeling of protein sequence and biophysical properties (such as structural, functional, and spatial information, amino acid conservation, physicochemical variation, residue mobility, and thermodynamic stability) indicates that this missense variant is not expected to disrupt POLD1 protein function with a negative predictive value of 80%. In summary, the available evidence is currently insufficient to determine the role of this variant in disease. Therefore, it has been classified as a Variant of Uncertain Significance.